The following is an entry in ClinVar:

NM_201548.5(CERKL):c.1541T>C (p.Leu514Ser)

Genes: CERKL (CERK like autophagy regulator; minus strand), ITGA4 (integrin subunit alpha 4; plus strand). Cytogenetic location: 2q31.3.
Variant type: single nucleotide variant.
Coding change: c.1541T>C on transcript NM_201548.5 (MANE Select); coding-DNA position 1541, T replaced by C.
Protein change: p.Leu514Ser; replaces leucine 514 with serine.
Molecular consequence: missense variant. On other transcripts: 3 prime UTR variant (1), non-coding transcript variant (2).
Genome position (GRCh38, 1-based): chr2:181,538,242, A>G on the plus strand (T>C on the coding strand, the complement: CERKL is on the minus strand). VCF-style: chr2-181538242-A-G. GRCh37 (hg19) VCF-style: chr2-182402969-A-G.
Other names: c.*2715A>G (NM_000885.6); c.1619T>C, p.Leu540Ser (NM_001030311.3); c.1202T>C, p.Leu401Ser (NM_001030312.3); c.1334T>C, p.Leu445Ser (NM_001030313.3); c.1487T>C, p.Leu496Ser (NM_001160277.2); short protein forms L401S, L445S, L514S, L496S, L540S.
Identifiers: ClinVar variation 1404882 (VCV001404882.7), dbSNP rs577490028, ClinGen allele CA2010384.

ClinVar aggregate classification (germline): Uncertain significance. Review status: criteria provided, multiple submitters, no conflicts (2 of 4 stars). 3 submissions from 3 submitters: Uncertain significance (3). Last evaluated 2022-01-17.

Conditions:
Inborn genetic diseases. Identifiers: MedGen C0950123, MeSH D030342.

Allele frequency attached by ClinVar (database versions not stated): TOPMed below 0.00001; gnomAD 0.00001; gnomAD exomes 0.00004 and 0.00010; ExAC 0.00012; 1000 Genomes Project 0.00020; 1000 Genomes Project 30x 0.00031.
gnomAD v4.1: 64 of 1,569,242 alleles (0.0041%); highest among the groups gnomAD compares: South Asian, 0.068%; 1 homozygote.

Submissions (3):

Blueprint Genetics
Classification: Uncertain significance. Last evaluated: 2022-01-17. Review status: criteria provided, single submitter. Criteria: ACMG Guidelines, 2015. Collection method: clinical testing. Allele origin: germline.

Labcorp Genetics (formerly Invitae), Labcorp
Classification: Uncertain significance. Last evaluated: 2021-08-27. Review status: criteria provided, single submitter. Criteria: Invitae Variant Classification Sherloc (09022015). Collection method: clinical testing. Allele origin: germline.
Comment: This sequence change replaces leucine with serine at codon 540 of the CERKL protein (p.Leu540Ser). The leucine residue is moderately conserved and there is a large physicochemical difference between leucine and serine. This variant is present in population databases (rs577490028, ExAC 0.09%). This variant has not been reported in the literature in individuals affected with CERKL-related conditions. Algorithms developed to predict the effect of missense changes on protein structure and function are either unavailable or do not agree on the potential impact of this missense change (SIFT: "Deleterious"; PolyPhen-2: "Possibly Damaging"; Align-GVGD: "Class C0"). In summary, the available evidence is currently insufficient to determine the role of this variant in disease. Therefore, it has been classified as a Variant of Uncertain Significance.

Ambry Genetics
Classification: Uncertain significance for Inborn genetic diseases. Last evaluated: 2021-07-09. Review status: criteria provided, single submitter. Criteria: Ambry Variant Classification Scheme 2023. Collection method: clinical testing. Allele origin: germline.